The following is an entry in ClinVar:

NM_005235.3(ERBB4):c.1168A>G (p.Asn390Asp)

Gene: ERBB4 (erb-b2 receptor tyrosine kinase 4; minus strand). Cytogenetic location: 2q34.
Variant type: single nucleotide variant.
Coding change: c.1168A>G on transcript NM_005235.3 (MANE Select); coding-DNA position 1168, A replaced by G.
Protein change: p.Asn390Asp; replaces asparagine 390 with aspartic acid.
Molecular consequence: missense variant.
Genome position (GRCh38, 1-based): chr2:211,705,348, T>C on the plus strand (A>G on the coding strand, the complement: ERBB4 is on the minus strand). VCF-style: chr2-211705348-T-C. GRCh37 (hg19) VCF-style: chr2-212570073-T-C.
Other names: c.1168A>G, p.Asn390Asp (NM_001042599.2); short protein forms N390D.
Identifiers: ClinVar variation 3632291 (VCV003632291.2).
Genomic context (GRCh38, chr2:211,705,348, plus strand): 5'-TAGCGCAACAGTTGCAGTTTAAAAAATTACCTGTTATCTCTCTGACTGTCCGAAAGACGT[T>C]CAGTTTCTCTGGGTCTATGGCTTCAATTGCATTGTAAGGGTCCCTAGAAAATCAAGAAGA-3'
Protein context (NP_005226.1, residues 380-400): AIEAIDPEKL[Asn390Asp]VFRTVREITG

ClinVar aggregate classification (germline): Uncertain significance (1 of 4 stars; one submission).

Submission:

Labcorp Genetics (formerly Invitae), Labcorp
Classification: Uncertain significance. Last evaluated: 2024-05-04. Review status: criteria provided, single submitter. Criteria: Invitae Variant Classification Sherloc (09022015). Collection method: clinical testing. Allele origin: germline.
Comment: This sequence change replaces asparagine, which is neutral and polar, with aspartic acid, which is acidic and polar, at codon 390 of the ERBB4 protein (p.Asn390Asp). This variant is not present in population databases (gnomAD no frequency). This variant has not been reported in the literature in individuals affected with ERBB4-related conditions. An algorithm developed to predict the effect of missense changes on protein structure and function (PolyPhen-2) suggests that this variant is likely to be tolerated. In summary, the available evidence is currently insufficient to determine the role of this variant in disease. Therefore, it has been classified as a Variant of Uncertain Significance.